The following is an entry in ClinVar:

ClinVar aggregate classification (germline): Uncertain significance. Review status: criteria provided, multiple submitters, no conflicts (2 of 4 stars). 4 submissions from 4 submitters: Uncertain significance (4). Last evaluated 2025-12-15.

Conditions:
Hyperinsulinemic hypoglycemia, familial, 1 (HHF1). Also called: Persistent hyperinsulinemic hypoglycemia of infancy; HYPERINSULINISM, FAMILIAL, WITH PANCREATIC NESIDIOBLASTOSIS; HYPOGLYCEMIA, HYPERINSULINEMIC, OF INFANCY; NESIDIOBLASTOSIS OF PANCREAS; Persistent Hyperinsulinemia Hypoglycemia of Infancy. Identifiers: Orphanet 276575, Orphanet 276598, MedGen C2931832, MONDO:0009734, OMIM 256450.
Leucine-induced hypoglycemia (LIH). Also called: LEUCINE-SENSITIVE HYPOGLYCEMIA OF INFANCY. Identifiers: MedGen C0271714, MONDO:0009415, OMIM 240800.
Diabetes mellitus, transient neonatal, 2 (TNDM2). Identifiers: Orphanet 99886, MedGen C1835887, MONDO:0012480, OMIM 610374. Disease mechanism: loss of function.
Type 2 diabetes mellitus. Also called: Type II diabetes mellitus. Identifiers: MedGen C0011860, MeSH D003924, MONDO:0005148, OMIM 125853, HP:0005978.
Diabetes mellitus, permanent neonatal 3. Also called: ABCC8-Related Permanent Neonatal Diabetes Mellitus. Identifiers: MedGen C5394303, MONDO:0030088, OMIM 618857.

Allele frequency attached by ClinVar (database versions not stated): ExAC 0.00002; TOPMed 0.00007; gnomAD 0.00009.
gnomAD v4.1: 122 of 1,614,048 alleles (0.0076%); highest among the groups gnomAD compares: Admixed American, 0.017%; no homozygotes.

Submissions (4):

GeneDx
Classification: Uncertain significance. Last evaluated: 2025-12-15. Review status: criteria provided, single submitter. Criteria: GeneDx Variant Classification Process June 2021. Collection method: clinical testing. Allele origin: germline.
Comment: Reported in an individual with features of MODY in published literature (PMID: 31595705); In silico analysis suggests that this missense variant does not alter protein structure/function; This variant is associated with the following publications: (PMID: 31595705)

Revvity Omics, Revvity
Classification: Uncertain significance. Last evaluated: 2025-04-30. Review status: criteria provided, single submitter. Criteria: ACMG Guidelines, 2015. Collection method: clinical testing. Allele origin: germline.

Fulgent Genetics
Classification: Uncertain significance for Type 2 diabetes mellitus; Leucine-induced hypoglycemia; Hyperinsulinemic hypoglycemia, familial, 1; Diabetes mellitus, transient neonatal, 2; Diabetes mellitus, permanent neonatal 3. Last evaluated: 2024-02-03. Review status: criteria provided, single submitter. Criteria: ACMG Guidelines, 2015. Collection method: clinical testing. Allele origin: germline.

Labcorp Genetics (formerly Invitae), Labcorp
Classification: Uncertain significance. Last evaluated: 2021-09-10. Review status: criteria provided, single submitter. Criteria: Invitae Variant Classification Sherloc (09022015). Collection method: clinical testing. Allele origin: germline.
Comment: This sequence change replaces aspartic acid with asparagine at codon 673 of the ABCC8 protein (p.Asp673Asn). The aspartic acid residue is moderately conserved and there is a small physicochemical difference between aspartic acid and asparagine. This variant is present in population databases (rs777986828, ExAC 0.003%). This missense change has been observed in individual(s) with ABCC8-related conditions (PMID: 31595705). Advanced modeling of protein sequence and biophysical properties (such as structural, functional, and spatial information, amino acid conservation, physicochemical variation, residue mobility, and thermodynamic stability) performed at Invitae indicates that this missense variant is not expected to disrupt ABCC8 protein function. In summary, the available evidence is currently insufficient to determine the role of this variant in disease. Therefore, it has been classified as a Variant of Uncertain Significance.

Literature cited by the submitters: PubMed 31595705 (cited by Labcorp Genetics (formerly Invitae), Labcorp).

NM_000352.6(ABCC8):c.2017G>A (p.Asp673Asn)

Gene: ABCC8 (ATP binding cassette subfamily C member 8; minus strand). Cytogenetic location: 11p15.1.
Variant type: single nucleotide variant.
Coding change: c.2017G>A on transcript NM_000352.6 (MANE Select); coding-DNA position 2017, G replaced by A.
Protein change: p.Asp673Asn; replaces aspartic acid 673 with asparagine.
Molecular consequence: missense variant. On other transcripts: non-coding transcript variant (1).
Genome position (GRCh38, 1-based): chr11:17,428,312, C>T on the plus strand (G>A on the coding strand, the complement: ABCC8 is on the minus strand). VCF-style: chr11-17428312-C-T. GRCh37 (hg19) VCF-style: chr11-17449859-C-T.
Other names: c.2017G>A (NM_000352.3, NM_000352.5); c.2017G>A, p.Asp673Asn (NM_001287174.3); c.2083G>A, p.Asp695Asn (NM_001351295.2); c.2014G>A, p.Asp672Asn (NM_001351296.2, NM_001351297.2); short protein forms D672N, D673N, D695N.
Identifiers: ClinVar variation 2083868 (VCV002083868.6), dbSNP rs777986828, ClinGen allele CA5903346.